The following is an entry in ClinVar:

ClinVar aggregate classification (germline): Benign/Likely benign. Review status: criteria provided, multiple submitters, no conflicts (2 of 4 stars). 9 submissions from 9 submitters: Benign (5); Likely benign (4). Last evaluated 2026-01-13.

Conditions:
Hereditary cancer-predisposing syndrome. Also called: Tumor predisposition; Hereditary neoplastic syndrome; Neoplastic Syndromes, Hereditary; Hereditary Cancer Syndrome. Identifiers: Orphanet 140162, MedGen C0027672, MeSH D009386, MONDO:0015356.
Tuberous sclerosis syndrome (TSC). Also called: Tuberous sclerosis; Tuberous Sclerosis Complex. Identifiers: Orphanet 805, MedGen C0041341, MONDO:0001734.
Tuberous sclerosis 2 (TSC2). Identifiers: Orphanet 805, MedGen C1860707, MONDO:0013199, OMIM 613254.

Allele frequency attached by ClinVar (database versions not stated): gnomAD 0.00003; gnomAD exomes 0.00004; TOPMed 0.00004; ExAC 0.00006; ESP Exome Variant Server 0.00008.
gnomAD v4.1: 94 of 1,613,436 alleles (0.0058%); highest among the groups gnomAD compares: Non-Finnish European, 0.0075%; no homozygotes.

Submissions (9):

Labcorp Genetics (formerly Invitae), Labcorp
Classification: Benign for Tuberous sclerosis 2. Last evaluated: 2026-01-13. Review status: criteria provided, single submitter. Criteria: Invitae Variant Classification Sherloc (09022015). Collection method: clinical testing. Allele origin: germline.

Quest Diagnostics Nichols Institute San Juan Capistrano
Classification: Benign. Last evaluated: 2025-11-05. Review status: criteria provided, single submitter. Criteria: Quest Diagnostics criteria. Collection method: clinical testing. Allele origin: unknown.

Myriad Genetics, Inc.
Classification: Benign for Tuberous sclerosis 2. Last evaluated: 2025-05-22. Review status: criteria provided, single submitter. Criteria: Myriad Autosomal Dominant, Autosomal Recessive and X-Linked Classification Criteria (2023). Collection method: clinical testing. Allele origin: unknown.
Comment: This variant is considered benign. This variant is a silent/synonymous amino acid change and it is not expected to impact splicing.

Blueprint Genetics
Classification: Likely benign. Last evaluated: 2024-07-29. Review status: criteria provided, single submitter. Criteria: ACMG Guidelines, 2015. Collection method: clinical testing. Allele origin: germline.

Color Diagnostics, LLC DBA Color Health
Classification: Likely benign for Tuberous sclerosis syndrome. Last evaluated: 2022-09-28. Review status: criteria provided, single submitter. Criteria: ACMG Guidelines, 2015. Collection method: clinical testing. Allele origin: germline.

Genome-Nilou Lab
Classification: Benign for Tuberous sclerosis 2. Last evaluated: 2021-11-07. Review status: criteria provided, single submitter. Criteria: ACMG Guidelines, 2015. Collection method: clinical testing. Allele origin: germline. Affected: no.

Sema4
Classification: Likely benign for Hereditary cancer-predisposing syndrome. Last evaluated: 2021-09-20. Review status: criteria provided, single submitter. Criteria: Sema4 Curation Guidelines. Collection method: curation. Allele origin: germline.

Ambry Genetics
Classification: Likely benign for Hereditary cancer-predisposing syndrome. Last evaluated: 2017-06-30. Review status: criteria provided, single submitter. Criteria: Ambry Variant Classification Scheme 2023. Collection method: clinical testing. Allele origin: germline.

GeneDx
Classification: Benign. Last evaluated: 2014-03-06. Review status: criteria provided, single submitter. Criteria: GeneDx Variant Classification (06012015). Collection method: clinical testing. Allele origin: germline. Affected: yes.
Comment: This variant is considered likely benign or benign based on one or more of the following criteria: it is a conservative change, it occurs at a poorly conserved position in the protein, it is predicted to be benign by multiple in silico algorithms, and/or has population frequency not consistent with disease.

NM_000548.5(TSC2):c.2781C>T (p.Thr927=)

Gene: TSC2 (TSC complex subunit 2; plus strand). Cytogenetic location: 16p13.3.
Variant type: single nucleotide variant.
Coding change: c.2781C>T on transcript NM_000548.5 (MANE Select); coding-DNA position 2781, C replaced by T.
Protein change: p.Thr927=; no amino-acid change (threonine 927 retained).
Molecular consequence: synonymous variant.
Genome position (GRCh38, 1-based): chr16:2,076,529, C>T. VCF-style: chr16-2076529-C-T. GRCh37 (hg19) VCF-style: chr16-2126530-C-T.
Other names: p.T927T:ACC>ACT; c.2781C>T, p.Thr927= (NM_001077183.3, NM_001114382.3, NM_001363528.2 and 3 more transcripts); c.2670C>T, p.Thr890= (NM_001318827.2); c.2634C>T, p.Thr878= (NM_001318829.2); c.2181C>T, p.Thr727= (NM_001318831.2); c.2814C>T, p.Thr938= (NM_001318832.2).
Identifiers: ClinVar variation 137743 (VCV000137743.24), dbSNP rs376275903, ClinGen allele CA018159.